The following is an entry in ClinVar:

ClinVar aggregate classification (germline): Uncertain significance (1 of 4 stars; one submission).

Conditions:
Hereditary cancer-predisposing syndrome. Also called: Hereditary Cancer Syndrome; Hereditary neoplastic syndrome; Neoplastic Syndromes, Hereditary; Tumor predisposition. Identifiers: Orphanet 140162, MedGen C0027672, MeSH D009386, MONDO:0015356.

Allele frequency attached by ClinVar (database versions not stated): gnomAD exomes below 0.00001.
gnomAD v4.1: 1 of 1,613,252 alleles (0.000062%); highest among the groups gnomAD compares: Non-Finnish European, 0.000085%; no homozygotes.

Submission:

Ambry Genetics
Classification: Uncertain significance for Hereditary cancer-predisposing syndrome. Last evaluated: 2022-03-07. Review status: criteria provided, single submitter. Criteria: Ambry Variant Classification Scheme 2023. Collection method: clinical testing. Allele origin: germline.
Comment: The p.E1894Q variant (also known as c.5680G>C), located in coding exon 37 of the ATM gene, results from a G to C substitution at nucleotide position 5680. The glutamic acid at codon 1894 is replaced by glutamine, an amino acid with highly similar properties. This amino acid position is conserved. In addition, the in silico prediction for this alteration is inconclusive. Since supporting evidence is limited at this time, the clinical significance of this alteration remains unclear.

NM_000051.4(ATM):c.5680G>C (p.Glu1894Gln)

Gene: ATM (ATM serine/threonine kinase; plus strand). Cytogenetic location: 11q22.3.
Variant type: single nucleotide variant.
Coding change: c.5680G>C on transcript NM_000051.4 (MANE Select); coding-DNA position 5680, G replaced by C.
Protein change: p.Glu1894Gln; replaces glutamic acid 1894 with glutamine.
Molecular consequence: missense variant.
Genome position (GRCh38, 1-based): chr11:108,307,902, G>C. VCF-style: chr11-108307902-G-C. GRCh37 (hg19) VCF-style: chr11-108178629-G-C.
Other names: c.5680G>C, p.Glu1894Gln (NM_001351834.2); short protein forms E1894Q.
Identifiers: ClinVar variation 1749034 (VCV001749034.2), dbSNP rs2135975793, ClinGen allele CA382547740.
Genomic context (GRCh38, chr11:108,307,902, plus strand): 5'-GAAGGTGTGTAAGCAAGAATGCCTGGGACTGAGGGGAGATATTTTTGTTTGTCAGAGTCA[G>C]AGCACTTTTTCCGATGCTGTTTGGATAAAAAATCACAAAGAACAATGCTTGCTGTTGTGG-3'
Protein context (NP_000042.3, residues 1884-1904): TTPANLDSES[Glu1894Gln]HFFRCCLDKK